The following is an entry in ClinVar:

ClinVar aggregate classification (germline): Uncertain significance. Review status: criteria provided, multiple submitters, no conflicts (2 of 4 stars). 2 submissions from 2 submitters: Uncertain significance (2). Last evaluated 2024-08-11.

Conditions:
Cardiovascular phenotype. Identifiers: MedGen CN230736.
Brugada syndrome. Also called: Sudden unexpected nocturnal death syndrome; Sudden unexplained nocturnal death syndrome; Sudden Unexplained Death Syndrome; Sudden Unexplained Nocturnal Death Syndrome (SUNDS). Identifiers: Orphanet 130, MedGen C1142166, MONDO:0015263.

Allele frequency attached by ClinVar (database versions not stated): TOPMed below 0.00001; gnomAD 0.00001.
gnomAD v4.1: 1 of 1,613,756 alleles (0.000062%); highest among the groups gnomAD compares: African/African-American, 0.0013%; no homozygotes.

Submissions (2):

Ambry Genetics
Classification: Uncertain significance for Cardiovascular phenotype. Last evaluated: 2024-08-11. Review status: criteria provided, single submitter. Criteria: Ambry Variant Classification Scheme 2023. Collection method: clinical testing. Allele origin: germline.
Comment: The p.N154D variant (also known as c.460A>G), located in coding exon 6 of the CACNA2D1 gene, results from an A to G substitution at nucleotide position 460. The asparagine at codon 154 is replaced by aspartic acid, an amino acid with highly similar properties. This amino acid position is conserved. In addition, this alteration is predicted to be tolerated by in silico analysis. Based on the available evidence, the clinical significance of this variant remains unclear.

Labcorp Genetics (formerly Invitae), Labcorp
Classification: Uncertain significance for Brugada syndrome. Last evaluated: 2023-01-06. Review status: criteria provided, single submitter. Criteria: Invitae Variant Classification Sherloc (09022015). Collection method: clinical testing. Allele origin: germline.
Comment: This sequence change replaces asparagine, which is neutral and polar, with aspartic acid, which is acidic and polar, at codon 154 of the CACNA2D1 protein (p.Asn154Asp). Algorithms developed to predict the effect of missense changes on protein structure and function (SIFT, PolyPhen-2, Align-GVGD) all suggest that this variant is likely to be tolerated. In summary, the available evidence is currently insufficient to determine the role of this variant in disease. Therefore, it has been classified as a Variant of Uncertain Significance. This variant has not been reported in the literature in individuals affected with CACNA2D1-related conditions. This variant is not present in population databases (gnomAD no frequency).

NM_000722.4(CACNA2D1):c.460A>G (p.Asn154Asp)

Gene: CACNA2D1 (calcium voltage-gated channel auxiliary subunit alpha2delta 1; minus strand). Cytogenetic location: 7q21.11.
Variant type: single nucleotide variant.
Coding change: c.460A>G on transcript NM_000722.4 (MANE Select); coding-DNA position 460, A replaced by G.
Protein change: p.Asn154Asp; replaces asparagine 154 with aspartic acid.
Molecular consequence: missense variant.
Genome position (GRCh38, 1-based): chr7:82,117,110, T>C on the plus strand (A>G on the coding strand, the complement: CACNA2D1 is on the minus strand). VCF-style: chr7-82117110-T-C. GRCh37 (hg19) VCF-style: chr7-81746426-T-C.
Other names: c.460A>G, p.Asn154Asp (NM_001302890.2, NM_001366867.1); short protein forms N154D.
Identifiers: ClinVar variation 2826484 (VCV002826484.4), dbSNP rs1789146053, ClinGen allele CA368017095.